The following is an entry in ClinVar:

ClinVar aggregate classification (germline): Uncertain significance (1 of 4 stars; one submission).

Conditions:
Inborn genetic diseases. Identifiers: MedGen C0950123, MeSH D030342.

gnomAD v4.1: 1 of 1,614,200 alleles (0.000062%); highest among the groups gnomAD compares: South Asian, 0.0011%; no homozygotes.

Submission:

Ambry Genetics
Classification: Uncertain significance for Inborn genetic diseases. Last evaluated: 2024-08-05. Review status: criteria provided, single submitter. Criteria: Ambry Variant Classification Scheme 2023. Collection method: clinical testing. Allele origin: germline.
Comment: The p.N598D variant (also known as c.1792A>G), located in coding exon 15 of the BUB1B gene, results from an A to G substitution at nucleotide position 1792. The asparagine at codon 598 is replaced by aspartic acid, an amino acid with highly similar properties. This amino acid position is conserved. In addition, this alteration is predicted to be tolerated by in silico analysis. Based on the available evidence, the clinical significance of this variant remains unclear.

NM_001211.6(BUB1B):c.1792A>G (p.Asn598Asp)

Gene: BUB1B (BUB1 mitotic checkpoint serine/threonine kinase B; plus strand). Cytogenetic location: 15q15.1.
Variant type: single nucleotide variant.
Coding change: c.1792A>G on transcript NM_001211.6 (MANE Select); coding-DNA position 1792, A replaced by G.
Protein change: p.Asn598Asp; replaces asparagine 598 with aspartic acid.
Molecular consequence: missense variant.
Genome position (GRCh38, 1-based): chr15:40,206,241, A>G. VCF-style: chr15-40206241-A-G. GRCh37 (hg19) VCF-style: chr15-40498442-A-G.
Other names: short protein forms N598D.
Identifiers: ClinVar variation 3483162 (VCV003483162.1).
Genomic context (GRCh38, chr15:40,206,241, plus strand): 5'-CAGGATGAATTTACAGGAATTGAACCCTTGAGCGAGGATGCCATTATCACAGGCTTCAGA[A>G]ATGTAACAATTTGTCCTAACCCAGAAGACACTTGTGACTTTGCCAGAGCAGCTCGTTTTG-3'
Protein context (NP_001202.5, residues 588-608): SEDAIITGFR[Asn598Asp]VTICPNPEDT